The following is an entry in ClinVar:

ClinVar aggregate classification (germline): Uncertain significance (0 of 4 stars; one submission).

Conditions:
Wolff-Parkinson-White pattern. Also called: WPW SYNDROME; Auriculoventricular accessory pathway syndrome; False bundle branch block syndrome; Anomalous ventricular excitation syndrome. Identifiers: MedGen C0043202, MONDO:0008685, OMIM 194200, HP:0001716.

Allele frequency attached by ClinVar (database versions not stated): TOPMed 0.00005; ESP Exome Variant Server 0.00008.
gnomAD v4.1: 11 of 1,526,440 alleles (0.00072%); highest among the groups gnomAD compares: African/African-American, 0.0083%; no homozygotes.

Submission:

Lupski Lab, Baylor-Hopkins CMG, Baylor College of Medicine
Classification: Uncertain significance for Wolff-Parkinson-White pattern. Last evaluated: 2017-07-14. Review status: no assertion criteria provided. Collection method: research. Allele origin: inherited. Affected: yes. Observed: 1 variant allele. Study: Candidate_variants_in_patients_with_ Wolff-Parkinson-White Syndrome.

NM_022450.5(RHBDF1):c.14G>A (p.Arg5His)

Gene: RHBDF1 (rhomboid 5 homolog 1; minus strand). Cytogenetic location: 16p13.3.
Variant type: single nucleotide variant.
Coding change: c.14G>A on transcript NM_022450.5 (MANE Select); coding-DNA position 14, G replaced by A.
Protein change: p.Arg5His; replaces arginine 5 with histidine.
Molecular consequence: missense variant.
Genome position (GRCh38, 1-based): chr16:65,002, C>T on the plus strand (G>A on the coding strand, the complement: RHBDF1 is on the minus strand). VCF-style: chr16-65002-C-T. GRCh37 (hg19) VCF-style: chr16-115000-C-T.
Other names: short protein forms R5H.
Identifiers: ClinVar variation 487604 (VCV000487604.1), dbSNP rs376110986, ClinGen allele CA7768788.